The following is an entry in ClinVar:

ClinVar aggregate classification (germline): Uncertain significance (1 of 4 stars; one submission).

Conditions:
MACF1-related disorder. Also called: MACF1-related condition.

gnomAD v4.1: 141 of 1,613,990 alleles (0.0087%); highest among the groups gnomAD compares: Non-Finnish European, 0.012%; no homozygotes.

Submission:

PreventionGenetics, part of Exact Sciences
Classification: Uncertain significance for MACF1-related condition. Last evaluated: 2025-03-31. Review status: criteria provided, single submitter. Criteria: ACMG Guidelines, 2015. Collection method: clinical testing. Allele origin: germline.
Comment: The MACF1 c.4880G>T variant is predicted to result in the amino acid substitution p.Arg1627Leu. To our knowledge, this variant has not been reported in the literature. This variant is reported in 0.0046% of alleles in individuals of European (Non-Finnish) descent in gnomAD. At this time, the clinical significance of this variant is uncertain due to the absence of conclusive functional and genetic evidence.

NM_001394062.1(MACF1):c.11066G>T (p.Arg3689Leu)

Gene: MACF1 (microtubule actin crosslinking factor 1; plus strand). Cytogenetic location: 1p34.3.
Variant type: single nucleotide variant.
Coding change: c.11066G>T on transcript NM_001394062.1 (MANE Select); coding-DNA position 11066, G replaced by T.
Protein change: p.Arg3689Leu; replaces arginine 3689 with leucine.
Molecular consequence: missense variant.
Genome position (GRCh38, 1-based): chr1:39,350,885, G>T. VCF-style: chr1-39350885-G-T. GRCh37 (hg19) VCF-style: chr1-39816557-G-T.
Other names: c.4880G>T, p.Arg1627Leu (NM_012090.5); short protein forms R1627L, R3689L.
Identifiers: ClinVar variation 4990352 (VCV004990352.1).
Genomic context (GRCh38, chr1:39,350,885, plus strand): 5'-CCACTGTTGTCAAGGACATTGAGGGGTTCATGGAAGAGAATCAGACCAAGCTGAGCCCAC[G>T]TGAGTTGACAGCTCTTCGGGAAAAGCTTCATCAGGCTAAGGAGCAATATGAGGCGCTCCA-3'
Protein context (NP_001380991.1, residues 3679-3699): MEENQTKLSP[Arg3689Leu]ELTALREKLH